The following is an entry in ClinVar:

NM_005120.3(MED12):c.3769G>A (p.Gly1257Ser)

Gene: MED12 (mediator complex subunit 12; plus strand). Cytogenetic location: Xq13.1.
Variant type: single nucleotide variant.
Coding change: c.3769G>A on transcript NM_005120.3 (MANE Select); coding-DNA position 3769, G replaced by A.
Protein change: p.Gly1257Ser; replaces glycine 1257 with serine.
Molecular consequence: missense variant.
Genome position (GRCh38, 1-based): chrX:71,129,757, G>A. VCF-style: chrX-71129757-G-A. GRCh37 (hg19) VCF-style: chrX-70349607-G-A.
Other names: short protein forms G1257S.
Identifiers: ClinVar variation 644873 (VCV000644873.8), dbSNP rs776373565, ClinGen allele CA10444546.

ClinVar aggregate classification (germline): Uncertain significance. Review status: criteria provided, multiple submitters, no conflicts (2 of 4 stars). 2 submissions from 2 submitters: Uncertain significance (2). Last evaluated 2025-09-05.

Conditions:
FG syndrome (FGS). Identifiers: MedGen C0220769, MONDO:0002010.
Familial thoracic aortic aneurysm and aortic dissection (TAAD). Also called: Thoracic aortic aneurysms and dissections. Identifiers: Orphanet 91387, MedGen C4707243, MONDO:0019625.

Allele frequency attached by ClinVar (database versions not stated): ExAC below 0.00001; gnomAD exomes 0.00001.
gnomAD v4.1: 6 of 1,207,955 alleles (0.0005%); highest among the groups gnomAD compares: Non-Finnish European, 0.00067%; no homozygotes.

Submissions (2):

Ambry Genetics
Classification: Uncertain significance for Familial thoracic aortic aneurysm and aortic dissection. Last evaluated: 2025-09-05. Review status: criteria provided, single submitter. Criteria: Ambry Variant Classification Scheme 2023. Collection method: clinical testing. Allele origin: germline.

Labcorp Genetics (formerly Invitae), Labcorp
Classification: Uncertain significance for FG syndrome. Last evaluated: 2025-07-06. Review status: criteria provided, single submitter. Criteria: Invitae Variant Classification Sherloc (09022015). Collection method: clinical testing. Allele origin: germline.
Comment: This sequence change replaces glycine, which is neutral and non-polar, with serine, which is neutral and polar, at codon 1257 of the MED12 protein (p.Gly1257Ser). This variant is not present in population databases (gnomAD no frequency). This missense change has been observed in individual(s) with clinical features of MED12-related condition (internal data). ClinVar contains an entry for this variant (Variation ID: 644873). Invitae Evidence Modeling of protein sequence and biophysical properties (such as structural, functional, and spatial information, amino acid conservation, physicochemical variation, residue mobility, and thermodynamic stability) indicates that this missense variant is not expected to disrupt MED12 protein function with a negative predictive value of 95%. In summary, the available evidence is currently insufficient to determine the role of this variant in disease. Therefore, it has been classified as a Variant of Uncertain Significance.